The following is an entry in ClinVar:

NM_000051.4(ATM):c.6348-3C>T

Genes: ATM (ATM serine/threonine kinase; plus strand), C11orf65 (chromosome 11 open reading frame 65; minus strand). Cytogenetic location: 11q22.3.
Variant type: single nucleotide variant.
Coding change: c.6348-3C>T on transcript NM_000051.4 (MANE Select); 3 bases into the intron before coding-DNA position 6348, C replaced by T.
Molecular consequence: intron variant.
Genome position (GRCh38, 1-based): chr11:108,319,951, C>T. VCF-style: chr11-108319951-C-T. GRCh37 (hg19) VCF-style: chr11-108190678-C-T.
Other names: c.6348-3C>T (NM_001351834.2); c.641-10880G>A (NM_001330368.2); c.*39-10880G>A (NM_001351110.2).
Identifiers: ClinVar variation 453623 (VCV000453623.18), dbSNP rs946541820, ClinGen allele CA228405662.

ClinVar aggregate classification (germline): Conflicting classifications of pathogenicity. Review status: criteria provided, conflicting classifications (1 of 4 stars). 5 submissions from 5 submitters: Uncertain significance (3); Likely benign (2). Last evaluated 2025-04-09.

Conditions:
Hereditary cancer-predisposing syndrome. Also called: Neoplastic Syndromes, Hereditary; Hereditary Cancer Syndrome; Tumor predisposition; Hereditary neoplastic syndrome. Identifiers: Orphanet 140162, MedGen C0027672, MeSH D009386, MONDO:0015356.
Familial cancer of breast. Also called: Hereditary breast cancer; BREAST CANCER, FAMILIAL; hereditary breast carcinoma. Identifiers: Orphanet 227535, MedGen C0346153, MONDO:0016419, OMIM 114480. Disease mechanism: loss of function.
Ataxia-telangiectasia syndrome (AT). Also called: LOUIS-BAR SYNDROME; Cerebello-oculocutaneous telangiectasia; Immunodeficiency with ataxia telangiectasia; Ataxia-telangiectasia, complementation group D; AT, COMPLEMENTATION GROUP C; Ataxia-telangiectasia, complementation group E. Identifiers: Orphanet 100, MedGen C0004135, MONDO:0008840, OMIM 208900.

Allele frequency attached by ClinVar (database versions not stated): gnomAD exomes 0.00001 and below 0.00001; TOPMed 0.00002.
gnomAD v4.1: 3 of 1,600,542 alleles (0.00019%); highest among the groups gnomAD compares: Non-Finnish European, 0.00026%; no homozygotes.

Submissions (5):

Labcorp Genetics (formerly Invitae), Labcorp
Classification: Likely benign for Ataxia-telangiectasia syndrome. Last evaluated: 2025-04-09. Review status: criteria provided, single submitter. Criteria: Invitae Variant Classification Sherloc (09022015). Collection method: clinical testing. Allele origin: germline.

Ambry Genetics
Classification: Uncertain significance for Hereditary cancer-predisposing syndrome. Last evaluated: 2024-03-15. Review status: criteria provided, single submitter. Criteria: Ambry Variant Classification Scheme 2023. Collection method: clinical testing. Allele origin: germline.
Comment: The c.6348-3C>T intronic variant results from a C to T substitution 3 nucleotides before coding exon 43 in the ATM gene. This nucleotide position is not well conserved in available vertebrate species. In silico splice site analysis predicts that this alteration will not have any significant effect on splicing. Based on the available evidence, the clinical significance of this alteration remains unclear.

Fulgent Genetics
Classification: Uncertain significance for Familial cancer of breast; Ataxia-telangiectasia syndrome. Last evaluated: 2024-02-09. Review status: criteria provided, single submitter. Criteria: ACMG Guidelines, 2015. Collection method: clinical testing. Allele origin: germline.

Color Diagnostics, LLC DBA Color Health
Classification: Likely benign for Hereditary cancer-predisposing syndrome. Last evaluated: 2022-12-27. Review status: criteria provided, single submitter. Criteria: ACMG Guidelines, 2015. Collection method: clinical testing. Allele origin: germline.

Blueprint Genetics
Classification: Uncertain significance. Last evaluated: 2020-02-11. Review status: criteria provided, single submitter. Criteria: ACMG Guidelines, 2015. Collection method: clinical testing. Allele origin: germline.